The following is an entry in ClinVar:

NM_004959.5(NR5A1):c.945C>A (p.Val315=)

Gene: NR5A1 (nuclear receptor subfamily 5 group A member 1; minus strand). Cytogenetic location: 9q33.3.
Variant type: single nucleotide variant.
Coding change: c.945C>A on transcript NM_004959.5 (MANE Select); coding-DNA position 945, C replaced by A.
Protein change: p.Val315=; no amino-acid change (valine 315 retained).
Molecular consequence: synonymous variant.
Genome position (GRCh38, 1-based): chr9:124,493,075, G>T on the plus strand (C>A on the coding strand, the complement: NR5A1 is on the minus strand). VCF-style: chr9-124493075-G-T. GRCh37 (hg19) VCF-style: chr9-127255354-G-T.
Identifiers: ClinVar variation 3756612 (VCV003756612.2).

ClinVar aggregate classification (germline): Uncertain significance (1 of 4 stars; one submission).

Conditions:
46 XY differences of sex development. Also called: 46, XY disorder of sex development (DSD); 46,XY disorder of sex development. Identifiers: Orphanet 98085, MedGen C2751824, MONDO:0020040.
Oligosynaptic infertility (SPGF1). Also called: SPERMATOGENIC FAILURE 1; OLIGOCHIASMATIC INFERTILITY. Identifiers: MedGen C0403810, MONDO:0009776, OMIM 258150.

Submission:

Labcorp Genetics (formerly Invitae), Labcorp
Classification: Uncertain significance for 46 XY differences of sex development; Oligosynaptic infertility. Last evaluated: 2024-05-30. Review status: criteria provided, single submitter. Criteria: Invitae Variant Classification Sherloc (09022015). Collection method: clinical testing. Allele origin: germline.
Comment: This sequence change affects codon 315 of the NR5A1 mRNA. It is a 'silent' change, meaning that it does not change the encoded amino acid sequence of the NR5A1 protein. This variant is not present in population databases (gnomAD no frequency). This variant has not been reported in the literature in individuals affected with NR5A1-related conditions. Algorithms developed to predict the effect of sequence changes on RNA splicing suggest that this variant may disrupt the consensus splice site. In summary, the available evidence is currently insufficient to determine the role of this variant in disease. Therefore, it has been classified as a Variant of Uncertain Significance.